The following is an entry in ClinVar:

ClinVar aggregate classification (germline): Uncertain significance (1 of 4 stars; one submission).

Conditions:
Aortic valve disease 2 (AOVD2). Identifiers: MedGen C3542024, MONDO:0013902, OMIM 614823.

Submission:

Labcorp Genetics (formerly Invitae), Labcorp
Classification: Uncertain significance for Aortic valve disease 2. Last evaluated: 2018-02-27. Review status: criteria provided, single submitter. Criteria: Invitae Variant Classification Sherloc (09022015). Collection method: clinical testing. Allele origin: germline.
Comment: This variant has not been reported in the literature in individuals with SMAD6-related disease. In summary, the available evidence is currently insufficient to determine the role of this variant in disease. Therefore, it has been classified as a Variant of Uncertain Significance. Experimental studies and prediction algorithms are not available for this variant, and the functional significance of the disrupted amino acids is currently unknown. This variant is not present in population databases (ExAC no frequency). This sequence change results in a frameshift at codon 471 in the last exon of the SMAD6 mRNA (p.Gly471Alafs*68). While this is not anticipated to result in nonsense mediated decay, it is expected to disrupt the last 26 amino acids of the SMAD6 protein, and to extend the protein by an additional 41 amino acids.

NM_005585.5(SMAD6):c.1412_1413delinsT (p.Gly471fs)

Gene: SMAD6 (SMAD family member 6; plus strand). Cytogenetic location: 15q22.31.
Variant type: Indel.
Coding change: c.1412_1413delinsT on transcript NM_005585.5 (MANE Select); coding-DNA positions 1412 to 1413, GC replaced by T.
Protein change: p.Gly471fs; shifts the reading frame from glycine 471.
Molecular consequence: frameshift variant. On other transcripts: non-coding transcript variant (1).
Genome position (GRCh38, 1-based): chr15:66,781,456-66,781,457, GC replaced by T. VCF-style: chr15-66781456-GC-T. GRCh37 (hg19) VCF-style: chr15-67073794-GC-T.
Other names: short protein forms G471fs.
Identifiers: ClinVar variation 570546 (VCV000570546.4), dbSNP rs1567116253, ClinGen allele CA891844225.